The following is an entry in ClinVar:

NM_007078.3(LDB3):c.1014A>G (p.Thr338=)

Gene: LDB3 (LIM domain binding 3; plus strand). Cytogenetic location: 10q23.2.
Variant type: single nucleotide variant.
Coding change: c.1014A>G on transcript NM_007078.3 (MANE Select); coding-DNA position 1014, A replaced by G.
Protein change: p.Thr338=; no amino-acid change (threonine 338 retained).
Molecular consequence: synonymous variant. On other transcripts: intron variant (4).
Genome position (GRCh38, 1-based): chr10:86,706,648, A>G. VCF-style: chr10-86706648-A-G. GRCh37 (hg19) VCF-style: chr10-88466405-A-G.
Other names: c.873A>G, p.Thr291= (NM_001368066.1); c.897-3257A>G (NM_001368064.1, NM_001368065.1); c.1101-3257A>G (NM_001171610.2); c.756-3257A>G (NM_001080114.2); c.*7274A>G (NM_001080116.1).
Identifiers: ClinVar variation 45509 (VCV000045509.56), dbSNP rs150209221, ClinGen allele CA136471.

ClinVar aggregate classification (germline): Benign/Likely benign. Review status: criteria provided, multiple submitters, no conflicts (2 of 4 stars). 9 submissions from 9 submitters: Benign (7); Likely benign (1). 1 of the submissions does not count toward it. Last evaluated 2026-01-28.

Conditions:
LDB3-related disorder. Also called: LDB3-related condition.
Cardiovascular phenotype. Identifiers: MedGen CN230736.
Cardiomyopathy (CMYO). Also called: Cardiomyopathies. Identifiers: Orphanet 167848, MedGen C0878544, MONDO:0004994, HP:0001638. Inheritance: Various modes of inheritance.
Myofibrillar myopathy 4. Also called: Zaspopathy (type). Identifiers: Orphanet 98912, MedGen C4721886, MONDO:0012277, OMIM 609452.

Allele frequency attached by ClinVar (database versions not stated): gnomAD exomes 0.00038 and 0.00106; ExAC 0.00136; 1000 Genomes Project 30x 0.00312; 1000 Genomes Project 0.00359; ESP Exome Variant Server 0.00415; gnomAD 0.00417 and 0.00450; TOPMed 0.00453.
gnomAD v4.1: 1,183 of 1,613,100 alleles (0.073%); highest among the groups gnomAD compares: African/African-American, 1.4%; 10 homozygotes.

Submissions (9):

Labcorp Genetics (formerly Invitae), Labcorp
Classification: Benign for Myofibrillar myopathy 4. Last evaluated: 2026-01-28. Review status: criteria provided, single submitter. Criteria: Invitae Variant Classification Sherloc (09022015). Collection method: clinical testing. Allele origin: germline.

CeGaT Center for Human Genetics Tuebingen
Classification: Likely benign. Last evaluated: 2025-07-01. Review status: criteria provided, single submitter. Criteria: CeGaT Center For Human Genetics Tuebingen Variant Classification Criteria Version 2. Collection method: clinical testing. Allele origin: germline. Affected: yes. Observed: 2 variant alleles.
Comment: LDB3: BP4, BP7, BS1

Women's Health and Genetics/Laboratory Corporation of America, LabCorp
Classification: Benign. Last evaluated: 2018-08-06. Review status: criteria provided, single submitter. Criteria: LabCorp Variant Classification Summary - May 2015. Collection method: clinical testing. Allele origin: germline.
Comment: Variant summary: LDB3 c.1014A>G alters a non-conserved nucleotide resulting in a synonymous change. 5/5 computational tools predict no significant impact on normal splicing. However, these predictions have yet to be confirmed by functional studies. The variant allele was found at a frequency of 0.0014 in 276194 control chromosomes, predominantly at a frequency of 0.015 within the African subpopulation in the gnomAD database, including 4 homozygotes. The observed variant frequency within African control individuals in the gnomAD database is approximately 600-fold of the estimated maximal expected allele frequency for a pathogenic variant in LDB3 causing Cardiomyopathy phenotype (2.5e-05), strongly suggesting that the variant is a benign polymorphism found primarily in populations of African origin. To our knowledge, no occurrence of c.1014A>G in individuals affected with Cardiomyopathy and no experimental evidence demonstrating its impact on protein function have been reported. Two clinical diagnostic laboratories have submitted clinical-significance assessments for this variant to ClinVar after 2014 without evidence for independent evaluation. Both laboratories classified the variant as benign. Based on the evidence outlined above, the variant was classified as benign.

Athena Diagnostics
Classification: Benign. Last evaluated: 2018-03-15. Review status: criteria provided, single submitter. Criteria: Athena Diagnostics Criteria. Collection method: clinical testing. Allele origin: germline.

Ambry Genetics
Classification: Benign for Cardiovascular phenotype. Last evaluated: 2016-09-23. Review status: criteria provided, single submitter. Criteria: Ambry Variant Classification Scheme 2023. Collection method: clinical testing. Allele origin: germline.

CHEO Genetics Diagnostic Laboratory, Children's Hospital of Eastern Ontario
Classification: Benign for Cardiomyopathy. Last evaluated: 2016-07-27. Review status: criteria provided, single submitter. Criteria: ACMG Guidelines, 2015. Collection method: clinical testing. Allele origin: germline. Study: Canadian Open Genetics Repository.

GeneDx
Classification: Benign. Last evaluated: 2015-03-03. Review status: criteria provided, single submitter. Criteria: GeneDx Variant Classification Process June 2021. Collection method: clinical testing. Allele origin: germline. Affected: yes.

Laboratory for Molecular Medicine, Mass General Brigham Personalized Medicine
Classification: Benign. Last evaluated: 2012-04-11. Review status: criteria provided, single submitter. Criteria: LMM Criteria. Collection method: clinical testing. Allele origin: germline. Observed: 15 variant alleles.
Comment: Thr338Thr in Exon 10 of LDB3: This variant is not expected to have clinical sign ificance because it does not alter an amino acid residue, is not located within the splice consensus sequence and has been identified in 1.2% (43/3736) of Afric an American chromosomes from a broad population by the NHLBI Exome Sequencing Pr oject (dbSNP rs150209221).

PreventionGenetics, part of Exact Sciences
Classification: Benign for LDB3-related condition. Last evaluated: 2023-05-22. Review status: no assertion criteria provided. Collection method: clinical testing. Allele origin: germline. Not counted in ClinVar's aggregate classification.
Comment: This variant is classified as benign based on ACMG/AMP sequence variant interpretation guidelines (Richards et al. 2015 PMID: 25741868, with internal and published modifications).